The following is an entry in ClinVar:

ClinVar aggregate classification (germline): Uncertain significance (1 of 4 stars; one submission).

Conditions:
Kufor-Rakeb syndrome (KRS). Also called: PARKINSON DISEASE 9, AUTOSOMAL RECESSIVE, JUVENILE-ONSET. Identifiers: Orphanet 306674, Orphanet 314632, MedGen C1847640, MONDO:0011706, OMIM 606693.
Autosomal recessive spastic paraplegia type 78. Identifiers: Orphanet 513436, MedGen C5567893, MONDO:0014975, OMIM 617225.

Allele frequency attached by ClinVar (database versions not stated): ExAC 0.00001; gnomAD 0.00001; gnomAD exomes 0.00001 and 0.00002; TOPMed 0.00001.
gnomAD v4.1: 15 of 1,606,568 alleles (0.00093%); highest among the groups gnomAD compares: Admixed American, 0.0034%; no homozygotes.

Submission:

Labcorp Genetics (formerly Invitae), Labcorp
Classification: Uncertain significance for Kufor-Rakeb syndrome; Autosomal recessive spastic paraplegia type 78. Last evaluated: 2022-07-16. Review status: criteria provided, single submitter. Criteria: Invitae Variant Classification Sherloc (09022015). Collection method: clinical testing. Allele origin: germline.
Comment: ClinVar contains an entry for this variant (Variation ID: 1472590). This variant has not been reported in the literature in individuals affected with ATP13A2-related conditions. This variant is present in population databases (rs781298587, gnomAD 0.008%). This sequence change replaces arginine, which is basic and polar, with glutamine, which is neutral and polar, at codon 819 of the ATP13A2 protein (p.Arg819Gln). Advanced modeling of protein sequence and biophysical properties (such as structural, functional, and spatial information, amino acid conservation, physicochemical variation, residue mobility, and thermodynamic stability) performed at Invitae indicates that this missense variant is not expected to disrupt ATP13A2 protein function. In summary, the available evidence is currently insufficient to determine the role of this variant in disease. Therefore, it has been classified as a Variant of Uncertain Significance.

NM_022089.4(ATP13A2):c.2456G>A (p.Arg819Gln)

Gene: ATP13A2 (ATPase cation transporting 13A2; minus strand). Cytogenetic location: 1p36.13.
Variant type: single nucleotide variant.
Coding change: c.2456G>A on transcript NM_022089.4 (MANE Select); coding-DNA position 2456, G replaced by A.
Protein change: p.Arg819Gln; replaces arginine 819 with glutamine.
Molecular consequence: missense variant. On other transcripts: intron variant (1).
Genome position (GRCh38, 1-based): chr1:16,989,960, C>T on the plus strand (G>A on the coding strand, the complement: ATP13A2 is on the minus strand). VCF-style: chr1-16989960-C-T. GRCh37 (hg19) VCF-style: chr1-17316455-C-T.
Other names: c.2441G>A, p.Arg814Gln (NM_001141973.3); c.2397+167G>A (NM_001141974.3); short protein forms R814Q, R819Q.
Identifiers: ClinVar variation 1472590 (VCV001472590.5), dbSNP rs781298587, ClinGen allele CA636823.